The following is an entry in ClinVar:

ClinVar aggregate classification (germline): Uncertain significance (1 of 4 stars; one submission).

Conditions:
Cardiovascular phenotype. Identifiers: MedGen CN230736.

Submission:

Ambry Genetics
Classification: Uncertain significance for Cardiovascular phenotype. Last evaluated: 2026-04-03. Review status: criteria provided, single submitter. Criteria: Ambry Variant Classification Scheme 2023. Collection method: clinical testing. Allele origin: germline.
Comment: The p.H903L variant (also known as c.2708A>T), located in coding exon 16 of the CBL gene, results from an A to T substitution at nucleotide position 2708. The histidine at codon 903 is replaced by leucine, an amino acid with similar properties. This amino acid position is conserved. In addition, this alteration is predicted to be deleterious by in silico analysis. Based on the available evidence, the clinical significance of this variant remains unclear.

NM_005188.4(CBL):c.2708A>T (p.His903Leu)

Gene: CBL (Cbl proto-oncogene; plus strand). Cytogenetic location: 11q23.3.
Variant type: single nucleotide variant.
Coding change: c.2708A>T on transcript NM_005188.4 (MANE Select); coding-DNA position 2708, A replaced by T.
Protein change: p.His903Leu; replaces histidine 903 with leucine.
Molecular consequence: missense variant.
Genome position (GRCh38, 1-based): chr11:119,299,768, A>T. VCF-style: chr11-119299768-A-T. GRCh37 (hg19) VCF-style: chr11-119170478-A-T.
Other names: short protein forms H903L.
Identifiers: ClinVar variation 4868214 (VCV004868214.1).
Genomic context (GRCh38, chr11:119,299,768, plus strand): 5'-ACAACATCGAGATGGCCAAAAACATCCTCCGGGAATTTGTTTCCATTTCTTCTCCTGCCC[A>T]TGTAGCTACCTAGCACACCATCTCCCTGCTGCAGGTTTAGAGGACCAGTGAGTTGGGAGT-3'
Protein context (NP_005179.2, residues 893-906): REFVSISSPA[His903Leu]VAT